The following is an entry in ClinVar:

NM_000179.3(MSH6):c.-9_-2dup

Gene: MSH6 (mutS homolog 6; plus strand). Cytogenetic location: 2p16.3.
Variant type: Duplication.
Coding change: c.-9_-2dup on transcript NM_000179.3 (MANE Select); 9 bases upstream of the start codon through 2 bases upstream of the start codon, 8 bases duplicated (GCTGTCGG; older notation c.-9_-2dupGCTGTCGG).
Molecular consequence: 5 prime UTR variant.
Genome position (GRCh38, 1-based): chr2:47,783,225-47,783,232, GCTGTCGG duplicated; duplicating any 8 consecutive bases within chr2:47,783,224-47,783,232 gives the same sequence; the c. name uses the placement nearest the transcript's 3' end. VCF-style (leftmost placement, unchanged base first): chr2-47783223-C-CGGCTGTCG. GRCh37 (hg19) VCF-style: chr2-48010362-C-CGGCTGTCG.
Other names: c.-9_-2dupGCTGTCGG (NM_000179.2); c.-9_-2dup (NM_001281492.2); c.-745_-738dup (NM_001281493.2).
Identifiers: ClinVar variation 514112 (VCV000514112.7), dbSNP rs760027265, ClinGen allele CA088476.

ClinVar aggregate classification (germline): Likely benign. Review status: criteria provided, multiple submitters, no conflicts (2 of 4 stars). 4 submissions from 4 submitters: Likely benign (4). Last evaluated 2023-07-10.

Conditions:
Hereditary cancer-predisposing syndrome. Also called: Hereditary Cancer Syndrome; Neoplastic Syndromes, Hereditary; Tumor predisposition; Hereditary neoplastic syndrome. Identifiers: Orphanet 140162, MedGen C0027672, MeSH D009386, MONDO:0015356.
Lynch syndrome. Identifiers: Orphanet 144, MedGen C4552100, MONDO:0005835. Disease mechanism: loss of function.

Submissions (4):

All of Us Research Program, National Institutes of Health
Classification: Likely benign for Lynch syndrome. Last evaluated: 2023-07-10. Review status: criteria provided, single submitter. Criteria: ACMG Guidelines, 2015. Collection method: clinical testing. Allele origin: germline. Inheritance: Autosomal dominant inheritance. Observed: 1 variant allele, 1 heterozygote.
Comment: This study involves interpretation of variants in research participants for the purpose of population health screening. Participant phenotype was not available at the time of variant classification. Additional details can be found in publication PMID: 35346344, PMCID: PMC8962531

Color Diagnostics, LLC DBA Color Health
Classification: Likely benign for Hereditary cancer-predisposing syndrome. Last evaluated: 2022-02-24. Review status: criteria provided, single submitter. Criteria: ACMG Guidelines, 2015. Collection method: clinical testing. Allele origin: germline.

GeneDx
Classification: Likely benign. Last evaluated: 2021-04-30. Review status: criteria provided, single submitter. Criteria: GeneDx Variant Classification Process June 2021. Collection method: clinical testing. Allele origin: germline. Affected: yes.

Ambry Genetics
Classification: Likely benign for Hereditary cancer-predisposing syndrome. Last evaluated: 2019-03-21. Review status: criteria provided, single submitter. Criteria: Ambry Variant Classification Scheme 2023. Collection method: clinical testing. Allele origin: germline.